The following is an entry in ClinVar:

ClinVar aggregate classification (germline): Benign/Likely benign. Review status: criteria provided, multiple submitters, no conflicts (2 of 4 stars). 20 submissions from 20 submitters: Benign (7); Likely benign (6). 7 of the submissions do not count toward it. Last evaluated 2026-08-01.

Conditions:
Cardiovascular phenotype. Identifiers: MedGen CN230736.
LDB3-related disorder. Also called: LDB3-related condition.
Myofibrillar myopathy 4. Also called: Zaspopathy (type). Identifiers: Orphanet 98912, MedGen C4721886, MONDO:0012277, OMIM 609452.
Dilated cardiomyopathy 1C (CMD1C). Also called: CARDIOMYOPATHY, DILATED, 1C, WITH OR WITHOUT LEFT VENTRICULAR NONCOMPACTION; Cardiomyopathy, dilated, 1C, with or without LVNC. Identifiers: Orphanet 154, Orphanet 54260, MedGen C1832244, MONDO:0011094, OMIM 601493.
Cardiomyopathy (CMYO). Also called: Cardiomyopathies. Identifiers: Orphanet 167848, MedGen C0878544, MONDO:0004994, HP:0001638. Inheritance: Various modes of inheritance.

Allele frequency attached by ClinVar (database versions not stated): 1000 Genomes Project 0.00160; gnomAD exomes 0.00623 and 0.00432; ESP Exome Variant Server 0.00516; 1000 Genomes Project 30x 0.00187; TOPMed 0.00363; gnomAD 0.00391 and 0.00408; ExAC 0.00463.
gnomAD v4.1: 9,535 of 1,606,432 alleles (0.59%); highest among the groups gnomAD compares: Non-Finnish European, 0.72%; 34 homozygotes.

Submissions (20):

CeGaT Center for Human Genetics Tuebingen
Classification: Likely benign. Last evaluated: 2026-08-01. Review status: criteria provided, single submitter. Criteria: CeGaT Center For Human Genetics Tuebingen Variant Classification Criteria Version 2. Collection method: clinical testing. Allele origin: germline. Affected: yes. Observed: 20 variant alleles.
Comment: LDB3: BP4, BS2

Labcorp Genetics (formerly Invitae), Labcorp
Classification: Benign for Myofibrillar myopathy 4. Last evaluated: 2026-02-01. Review status: criteria provided, single submitter. Criteria: Invitae Variant Classification Sherloc (09022015). Collection method: clinical testing. Allele origin: germline.

Blueprint Genetics
Classification: Likely benign. Last evaluated: 2024-11-27. Review status: criteria provided, single submitter. Criteria: ACMG Guidelines, 2015. Collection method: clinical testing. Allele origin: germline.

ARUP Laboratories, Molecular Genetics and Genomics, ARUP Laboratories
Classification: Benign. Last evaluated: 2023-11-29. Review status: criteria provided, single submitter. Criteria: ARUP Molecular Germline Variant Investigation Process 2024. Collection method: clinical testing. Allele origin: germline.

Fulgent Genetics
Classification: Benign for Dilated cardiomyopathy 1C; Myofibrillar myopathy 4. Last evaluated: 2021-10-25. Review status: criteria provided, single submitter. Criteria: ACMG Guidelines, 2015. Collection method: clinical testing. Allele origin: unknown.

Center for Advanced Laboratory Medicine, UC San Diego Health, University of California San Diego
Classification: Benign for Cardiomyopathy. Last evaluated: 2019-02-26. Review status: criteria provided, single submitter. Criteria: ACMG Guidelines, 2015. Collection method: clinical testing. Allele origin: germline. Affected: yes. Observed: 2 variant alleles.

Ambry Genetics
Classification: Likely benign for Cardiovascular phenotype. Last evaluated: 2018-05-21. Review status: criteria provided, single submitter. Criteria: Ambry Variant Classification Scheme 2023. Collection method: clinical testing. Allele origin: germline.

CHEO Genetics Diagnostic Laboratory, Children's Hospital of Eastern Ontario
Classification: Benign for Cardiomyopathy. Last evaluated: 2016-08-17. Review status: criteria provided, single submitter. Criteria: ACMG Guidelines, 2015. Collection method: clinical testing. Allele origin: germline. Study: Canadian Open Genetics Repository.

Eurofins Ntd Llc (ga)
Classification: Likely benign. Last evaluated: 2015-12-03. Review status: criteria provided, single submitter. Criteria: EGL Classification Definitions 2015. Collection method: clinical testing. Allele origin: germline. Observed: 1 variant allele, 1 heterozygote.

Laboratory for Molecular Medicine, Mass General Brigham Personalized Medicine
Classification: Likely benign. Last evaluated: 2015-05-18. Review status: criteria provided, single submitter. Criteria: LMM Criteria. Collection method: clinical testing. Allele origin: germline. Observed: 38 variant alleles.
Comment: p.Val118Met in exon 4 of LDB3: This variant is not expected to have clinical sig nificance because it has been identified in 0.7% (455/63354) of European chromos omes including 1 homozygous individual by the Exome Aggregation Consortium (dbSNP rs35507268).

Biesecker Lab/Clinical Genomics Section, National Institutes of Health
Classification: Benign. Last evaluated: 2013-06-24. Review status: criteria provided, single submitter. Criteria: Ng et al. (Circ Cardiovasc Genet. 2013). Collection method: research. Allele origin: unknown. Observed: 11 variant alleles. Study: ClinSeq.
Comment: The study set was not selected for affection status in relation to any cancer. Pathogenicity categories were based on literature curation. See Pubmed ID:23861362 for details.

Medical sequencing

GeneDx
Classification: Benign. Last evaluated: 2013-02-06. Review status: criteria provided, single submitter. Criteria: GeneDx Variant Classification (06012015). Collection method: clinical testing. Allele origin: germline. Affected: yes.
Comment: This variant is considered likely benign or benign based on one or more of the following criteria: it is a conservative change, it occurs at a poorly conserved position in the protein, it is predicted to be benign by multiple in silico algorithms, and/or has population frequency not consistent with disease.

Breakthrough Genomics
Classification: Likely benign. Review status: criteria provided, single submitter. Criteria: ACMG Guidelines, 2015. Collection method: not provided. Allele origin: germline. Inheritance: Autosomal dominant inheritance. Affected: yes.

PreventionGenetics, part of Exact Sciences
Classification: Benign for LDB3-related condition. Last evaluated: 2019-10-25. Review status: no assertion criteria provided. Collection method: clinical testing. Allele origin: germline. Not counted in ClinVar's aggregate classification.
Comment: This variant is classified as benign based on ACMG/AMP sequence variant interpretation guidelines (Richards et al. 2015 PMID: 25741868, with internal and published modifications).

Clinical Genetics DNA and cytogenetics Diagnostics Lab, Erasmus MC, Erasmus Medical Center
Classification: Benign. Review status: no assertion criteria provided. Collection method: clinical testing. Allele origin: germline. Affected: yes. Study: VKGL Data-share Consensus. Not counted in ClinVar's aggregate classification.

Clinical Genetics, Academic Medical Center
Classification: Benign. Review status: no assertion criteria provided. Collection method: clinical testing. Allele origin: germline. Affected: yes. Study: VKGL Data-share Consensus. Not counted in ClinVar's aggregate classification.

Diagnostic Laboratory, Department of Genetics, University Medical Center Groningen
Classification: Likely benign. Review status: no assertion criteria provided. Collection method: clinical testing. Allele origin: germline. Affected: yes. Study: VKGL Data-share Consensus. Not counted in ClinVar's aggregate classification.

Genome Diagnostics Laboratory, University Medical Center Utrecht
Classification: Likely benign. Review status: no assertion criteria provided. Collection method: clinical testing. Allele origin: germline. Affected: yes. Study: VKGL Data-share Consensus. Not counted in ClinVar's aggregate classification.

Joint Genome Diagnostic Labs from Nijmegen and Maastricht, Radboudumc and MUMC+
Classification: Benign. Review status: no assertion criteria provided. Collection method: clinical testing. Allele origin: germline. Affected: yes. Study: VKGL Data-share Consensus. Not counted in ClinVar's aggregate classification.

Laboratory of Diagnostic Genome Analysis, Leiden University Medical Center (LUMC)
Classification: Likely benign. Review status: no assertion criteria provided. Collection method: clinical testing. Allele origin: germline. Affected: yes. Study: VKGL Data-share Consensus. Not counted in ClinVar's aggregate classification.

NM_007078.3(LDB3):c.352G>A (p.Val118Met)

Gene: LDB3 (LIM domain binding 3; plus strand). Cytogenetic location: 10q23.2.
Variant type: single nucleotide variant.
Coding change: c.352G>A on transcript NM_007078.3 (MANE Select); coding-DNA position 352, G replaced by A.
Protein change: p.Val118Met; replaces valine 118 with methionine.
Molecular consequence: missense variant. On other transcripts: intron variant (5).
Genome position (GRCh38, 1-based): chr10:86,681,466, G>A. VCF-style: chr10-86681466-G-A. GRCh37 (hg19) VCF-style: chr10-88441223-G-A.
Other names: c.321+1309G>A (NM_001080116.1, NM_001368068.1, NM_001368066.1 and 2 more transcripts); c.352G>A, p.Val118Met (NM_001080115.2, NM_001171610.2, NM_001171611.2 and 3 more transcripts); c.352G>A (NM_001171610.1); short protein forms V118M.
Identifiers: ClinVar variation 45544 (VCV000045544.75), dbSNP rs35507268, ClinGen allele CA344678.